The following is an entry in ClinVar:

NM_000548.5(TSC2):c.1308G>A (p.Pro436=)

Gene: TSC2 (TSC complex subunit 2; plus strand). Cytogenetic location: 16p13.3.
Variant type: single nucleotide variant.
Coding change: c.1308G>A on transcript NM_000548.5 (MANE Select); coding-DNA position 1308, G replaced by A.
Protein change: p.Pro436=; no amino-acid change (proline 436 retained).
Molecular consequence: synonymous variant.
Genome position (GRCh38, 1-based): chr16:2,062,547, G>A. VCF-style: chr16-2062547-G-A. GRCh37 (hg19) VCF-style: chr16-2112548-G-A.
Other names: c.1308G>A, p.Pro436= (NM_001077183.3, NM_001114382.3, NM_001363528.2 and 3 more transcripts); c.1197G>A, p.Pro399= (NM_001318827.2); c.1161G>A, p.Pro387= (NM_001318829.2); c.708G>A, p.Pro236= (NM_001318831.2); c.1341G>A, p.Pro447= (NM_001318832.2); c.1308G>A (NM_000548.4).
Identifiers: ClinVar variation 378776 (VCV000378776.21), dbSNP rs753764275, ClinGen allele CA029285.

ClinVar aggregate classification (germline): Benign/Likely benign. Review status: criteria provided, multiple submitters, no conflicts (2 of 4 stars). 9 submissions from 9 submitters: Benign (4); Likely benign (5). Last evaluated 2026-09-01.

Conditions:
Tuberous sclerosis syndrome (TSC). Also called: Tuberous sclerosis; Tuberous Sclerosis Complex. Identifiers: Orphanet 805, MedGen C0041341, MONDO:0001734.
TSC2-related disorder. Also called: TSC2-related condition; TSC2-Related Disorders.
Hereditary cancer-predisposing syndrome. Also called: Tumor predisposition; Neoplastic Syndromes, Hereditary; Hereditary neoplastic syndrome; Hereditary Cancer Syndrome. Identifiers: Orphanet 140162, MedGen C0027672, MeSH D009386, MONDO:0015356.
Tuberous sclerosis 2 (TSC2). Identifiers: Orphanet 805, MedGen C1860707, MONDO:0013199, OMIM 613254.

Allele frequency attached by ClinVar (database versions not stated): gnomAD exomes 0.00002; gnomAD 0.00003.
gnomAD v4.1: 21 of 1,612,306 alleles (0.0013%); highest among the groups gnomAD compares: Admixed American, 0.01%; no homozygotes.

Submissions (9):

PreventionGenetics, part of Exact Sciences
Classification: Likely benign for TSC2-related condition. Last evaluated: 2026-09-01. Review status: criteria provided, single submitter. Criteria: ACMG Guidelines, 2015. Collection method: clinical testing. Allele origin: germline.
Comment: This variant is classified as likely benign based on ACMG/AMP sequence variant interpretation guidelines (Richards et al. 2015 PMID: 25741868, with internal and published modifications).

CeGaT Center for Human Genetics Tuebingen
Classification: Likely benign. Last evaluated: 2026-07-01. Review status: criteria provided, single submitter. Criteria: CeGaT Center For Human Genetics Tuebingen Variant Classification Criteria Version 2. Collection method: clinical testing. Allele origin: germline. Affected: yes. Observed: 1 variant allele.
Comment: TSC2: BP4, BP7

Labcorp Genetics (formerly Invitae), Labcorp
Classification: Benign for Tuberous sclerosis 2. Last evaluated: 2026-01-27. Review status: criteria provided, single submitter. Criteria: Invitae Variant Classification Sherloc (09022015). Collection method: clinical testing. Allele origin: germline.

Myriad Genetics, Inc.
Classification: Benign for Tuberous sclerosis 2. Last evaluated: 2025-05-13. Review status: criteria provided, single submitter. Criteria: Myriad Autosomal Dominant, Autosomal Recessive and X-Linked Classification Criteria (2023). Collection method: clinical testing. Allele origin: unknown.
Comment: This variant is considered benign. This variant is a silent/synonymous amino acid change and it is not expected to impact splicing.

Athena Diagnostics
Classification: Benign. Last evaluated: 2025-01-09. Review status: criteria provided, single submitter. Criteria: Athena Diagnostics Criteria. Collection method: clinical testing. Allele origin: unknown.
Comment: The frequency of this variant in the general population is higher than would generally be expected for pathogenic variants in this gene. Computational tools yielded predictions that this variant is unlikely to have an effect on normal RNA splicing. This nucleotide position exhibits low evolutionary conservation.

All of Us Research Program, National Institutes of Health
Classification: Likely benign for Tuberous sclerosis syndrome. Last evaluated: 2023-10-27. Review status: criteria provided, single submitter. Criteria: ACMG Guidelines, 2015. Collection method: clinical testing. Allele origin: germline. Inheritance: Autosomal dominant inheritance. Observed: 3 variant alleles, 3 heterozygotes.
Comment: This study involves interpretation of variants in research participants for the purpose of population health screening. Participant phenotype was not available at the time of variant classification. Additional details can be found in publication PMID: 35346344, PMCID: PMC8962531

Genome-Nilou Lab
Classification: Benign for Tuberous sclerosis 2. Last evaluated: 2021-11-07. Review status: criteria provided, single submitter. Criteria: ACMG Guidelines, 2015. Collection method: clinical testing. Allele origin: germline. Affected: no.

Ambry Genetics
Classification: Likely benign for Hereditary cancer-predisposing syndrome. Last evaluated: 2020-07-08. Review status: criteria provided, single submitter. Criteria: Ambry Variant Classification Scheme 2023. Collection method: clinical testing. Allele origin: germline.

GeneDx
Classification: Likely benign. Last evaluated: 2016-09-27. Review status: criteria provided, single submitter. Criteria: GeneDx Variant Classification (06012015). Collection method: clinical testing. Allele origin: germline. Affected: yes.
Comment: This variant is considered likely benign or benign based on one or more of the following criteria: it is a conservative change, it occurs at a poorly conserved position in the protein, it is predicted to be benign by multiple in silico algorithms, and/or has population frequency not consistent with disease.